The following is an entry in ClinVar:

NM_020708.5(SLC12A5):c.3096C>A (p.Phe1032Leu)

Gene: SLC12A5 (solute carrier family 12 member 5; plus strand). Cytogenetic location: 20q13.12.
Variant type: single nucleotide variant.
Coding change: c.3096C>A on transcript NM_020708.5 (MANE Select); coding-DNA position 3096, C replaced by A.
Protein change: p.Phe1032Leu; replaces phenylalanine 1032 with leucine.
Molecular consequence: missense variant.
Genome position (GRCh38, 1-based): chr20:46,056,550, C>A. VCF-style: chr20-46056550-C-A. GRCh37 (hg19) VCF-style: chr20-44685189-C-A.
Other names: c.3165C>A, p.Phe1055Leu (NM_001134771.2); short protein forms F1032L, F1055L.
Identifiers: ClinVar variation 2101967 (VCV002101967.4), dbSNP rs1385851381, ClinGen allele CA409208253.
Genomic context (GRCh38, chr20:46,056,550, plus strand): 5'-GTCGGTGGCAGAGAAGAATAAGGGCCCCAGTCCTGTCTCCTCTGAGGGCATCAAGGACTT[C>A]TTCAGCATGAAGCCGTACGGGCCTGGGGGCTAAGGGCTGGGGGCTGGGGTGAGCTAAAGG-3'
Protein context (NP_065759.1, residues 1022-1042): SPVSSEGIKD[Phe1032Leu]FSMKPEWENL

ClinVar aggregate classification (germline): Uncertain significance (1 of 4 stars; one submission).

Conditions:
Developmental and epileptic encephalopathy, 34 (DEE34). Also called: SLC12A5-Related Epilepsy of Infancy with Migrating Focal Seizures; Early infantile epileptic encephalopathy 34. Identifiers: Orphanet 293181, MedGen C4225257, MONDO:0014718, OMIM 616645.

Allele frequency attached by ClinVar (database versions not stated): gnomAD exomes below 0.00001.
gnomAD v4.1: 2 of 1,614,058 alleles (0.00012%); highest among the groups gnomAD compares: Non-Finnish European, 0.00017%; no homozygotes.

Submission:

Labcorp Genetics (formerly Invitae), Labcorp
Classification: Uncertain significance for Developmental and epileptic encephalopathy, 34. Last evaluated: 2022-10-03. Review status: criteria provided, single submitter. Criteria: Invitae Variant Classification Sherloc (09022015). Collection method: clinical testing. Allele origin: germline.
Comment: Advanced modeling of protein sequence and biophysical properties (such as structural, functional, and spatial information, amino acid conservation, physicochemical variation, residue mobility, and thermodynamic stability) performed at Invitae indicates that this missense variant is not expected to disrupt SLC12A5 protein function. In summary, the available evidence is currently insufficient to determine the role of this variant in disease. Therefore, it has been classified as a Variant of Uncertain Significance. This variant has not been reported in the literature in individuals affected with SLC12A5-related conditions. This variant is present in population databases (no rsID available, gnomAD 0.002%). This sequence change replaces phenylalanine, which is neutral and non-polar, with leucine, which is neutral and non-polar, at codon 1032 of the SLC12A5 protein (p.Phe1032Leu).